The following is an entry in ClinVar:

NM_001374736.1(DST):c.13724AAG[1] (p.Glu4576del)

Gene: DST (dystonin; minus strand). Cytogenetic location: 6p12.1.
Variant type: Microsatellite.
Coding change: c.13724AAG[1] on transcript NM_001374736.1 (MANE Select); one copy of the 3-base unit AAG starting at c.13724; the reference has two copies in a row; one copy, 3 bases deleted.
Protein change: p.Glu4576del; deletes glutamic acid 4576.
Molecular consequence: inframe deletion.
Genome position (GRCh38, 1-based): chr6:56,570,005-56,570,007, CTT deleted on the plus strand (AAG on the coding strand, the reverse complement: DST is on the minus strand); deleting any 3 consecutive bases within chr6:56,570,005-56,570,010 gives the same sequence; the position shown is the placement nearest the transcript's 3' end. VCF-style (leftmost placement, unchanged base first): chr6-56570004-GCTT-G. GRCh37 (hg19) VCF-style: chr6-56434802-GCTT-G.
Other names: c.7367AAG[1], p.Glu2457del (NM_001144769.5); c.6953AAG[1], p.Glu2319del (NM_001144770.2); c.13724AAG[1], p.Glu4576del (NM_001374722.1); c.13091AAG[1], p.Glu4365del (NM_001374729.1); c.6833AAG[1], p.Glu2279del (NM_001374730.1, NM_001386100.1, NM_183380.4); c.13751AAG[1], p.Glu4585del (NM_001374734.1); c.5855AAG[1], p.Glu1953del (NM_015548.5); short protein forms E2457del, E1953del, E2319del, E4365del, E4576del, E4585del, E2279del.
Identifiers: ClinVar variation 1047424 (VCV001047424.7), dbSNP rs2097756169, ClinGen allele CA1630154298.

ClinVar aggregate classification (germline): Uncertain significance (1 of 4 stars; one submission).

Conditions:
Hereditary sensory and autonomic neuropathy type 6. Also called: Neuropathy, hereditary sensory and autonomic, type VI; HSAN VI. Identifiers: Orphanet 314381, MedGen C3539003, MONDO:0013839, OMIM 614653.
Epidermolysis bullosa simplex 3, localized or generalized intermediate, with BP230 deficiency (EBS3). Also called: Epidermolysis bullosa simplex, autosomal recessive 2; Epidermolysis bullosa simplex due to BP230 deficiency. Identifiers: Orphanet 412181, MedGen C3809470, MONDO:0014180, OMIM 615425.

Submission:

Labcorp Genetics (formerly Invitae), Labcorp
Classification: Uncertain significance for Epidermolysis bullosa simplex 3, localized or generalized intermediate, with BP230 deficiency; Hereditary sensory and autonomic neuropathy type 6. Last evaluated: 2023-05-08. Review status: criteria provided, single submitter. Criteria: Invitae Variant Classification Sherloc (09022015). Collection method: clinical testing. Allele origin: germline.
Comment: This variant has not been reported in the literature in individuals affected with DST-related conditions. In summary, the available evidence is currently insufficient to determine the role of this variant in disease. Therefore, it has been classified as a Variant of Uncertain Significance. Experimental studies and prediction algorithms are not available or were not evaluated, and the functional significance of this variant is currently unknown. This variant is not present in population databases (gnomAD no frequency). This variant, c.5858_5860del, results in the deletion of 1 amino acid(s) of the DST protein (p.Glu1953del), but otherwise preserves the integrity of the reading frame. The DST gene has multiple clinically relevant transcripts. This variant occurs in alternate transcript NM_015548.4, and corresponds to NM_001723.5:c.*45510_*45512del in the primary transcript.